The following is an entry in ClinVar:

ClinVar aggregate classification (germline): Likely benign. Review status: criteria provided, multiple submitters, no conflicts (2 of 4 stars). 2 submissions from 2 submitters: Likely benign (2). Last evaluated 2026-03-27.

Conditions:
Brugada syndrome 8 (BRGDA8). Identifiers: Orphanet 130, MedGen C2751083, MONDO:0013148, OMIM 613123.

Allele frequency attached by ClinVar (database versions not stated): gnomAD 0.00001; TOPMed 0.00001.
gnomAD v4.1: 5 of 1,470,130 alleles (0.00034%); highest among the groups gnomAD compares: African/African-American, 0.0074%; no homozygotes.

Submissions (2):

Molecular Diagnostic Laboratory for Inherited Cardiovascular Disease, Montreal Heart Institute
Classification: Likely benign. Last evaluated: 2026-03-27. Review status: criteria provided, single submitter. Criteria: ACMG Guidelines, 2015. Collection method: clinical testing. Allele origin: germline. Affected: no.
Comment: BP7

Labcorp Genetics (formerly Invitae), Labcorp
Classification: Likely benign for Brugada syndrome 8. Last evaluated: 2025-12-03. Review status: criteria provided, single submitter. Criteria: Invitae Variant Classification Sherloc (09022015). Collection method: clinical testing. Allele origin: germline.

NM_005477.3(HCN4):c.225G>A (p.Ala75=)

Gene: HCN4 (hyperpolarization activated cyclic nucleotide gated potassium channel 4; minus strand). Cytogenetic location: 15q24.1.
Variant type: single nucleotide variant.
Coding change: c.225G>A on transcript NM_005477.3 (MANE Select); coding-DNA position 225, G replaced by A.
Protein change: p.Ala75=; no amino-acid change (alanine 75 retained).
Molecular consequence: synonymous variant.
Genome position (GRCh38, 1-based): chr15:73,368,046, C>T on the plus strand (G>A on the coding strand, the complement: HCN4 is on the minus strand). VCF-style: chr15-73368046-C-T. GRCh37 (hg19) VCF-style: chr15-73660387-C-T.
Other names: c.225G>A (NM_005477.2).
Identifiers: ClinVar variation 1655666 (VCV001655666.9), dbSNP rs1331070073, ClinGen allele CA491479435.